The following is an entry in ClinVar:

NM_015355.4(SUZ12):c.348_351del (p.Tyr117fs)

Gene: SUZ12 (SUZ12 polycomb repressive complex 2 subunit; plus strand). Cytogenetic location: 17q11.2.
Variant type: Microsatellite.
Coding change: c.348_351del on transcript NM_015355.4 (MANE Select); coding-DNA positions 348 to 351, 4 bases deleted (TTAC; older notation c.348_351delTTAC).
Protein change: p.Tyr117fs; shifts the reading frame from tyrosine 117.
Molecular consequence: frameshift variant.
Genome position (GRCh38, 1-based): chr17:31,940,448-31,940,451, TTAC deleted; deleting any 4 consecutive bases within chr17:31,940,443-31,940,451 gives the same sequence; the c. name uses the placement nearest the transcript's 3' end. VCF-style (leftmost placement, unchanged base first): chr17-31940442-TCTTA-T. GRCh37 (hg19) VCF-style: chr17-30267461-TCTTA-T.
Other names: c.348_351del, p.Tyr117fs (NM_001321207.2); short protein forms Y117fs.
Identifiers: ClinVar variation 631552 (VCV000631552.4), dbSNP rs1598143986, ClinGen allele CA645570460.

ClinVar aggregate classification (germline): Pathogenic. Review status: criteria provided, multiple submitters, no conflicts (2 of 4 stars). 3 submissions from 3 submitters: Pathogenic (3). Last evaluated 2024-11-27.

Conditions:
Imagawa-Matsumoto syndrome. Identifiers: Orphanet 659463, MedGen C5394073, MONDO:0032916, OMIM 618786.

Submissions (3):

Institute of Human Genetics, University of Leipzig Medical Center
Classification: Pathogenic for Imagawa-Matsumoto syndrome. Last evaluated: 2024-11-27. Review status: criteria provided, single submitter. Criteria: ACMG Guidelines, 2015. Collection method: clinical testing. Allele origin: unknown. Inheritance: Autosomal dominant inheritance. Affected: yes.
Comment: Criteria applied: PVS1,PS2_MOD,PS4_MOD,PM2

HudsonAlpha Institute for Biotechnology
Classification: Pathogenic. Last evaluated: 2019-07-03. Review status: criteria provided, single submitter. Criteria: ACMG Guidelines, 2015. Collection method: research. Allele origin: de novo. Affected: yes. Observed: 1 variant allele. Study: HudsonAlpha-PGEN.

GeneDx
Classification: Pathogenic. Last evaluated: 2019-05-09. Review status: criteria provided, single submitter. Criteria: GeneDx Variant Classification (06012015). Collection method: clinical testing. Allele origin: germline. Affected: yes.
Comment: The c.348_351delTTAC variant causes a frameshift starting with codon Tyrosine 117, changes this amino acid to a Cysteine residue, and creates a premature Stop codon at position 24 of the new reading frame, denoted p.Tyr117CysfsX24. This variant is predicted to cause loss of normal protein function either through protein truncation or nonsense-mediated mRNA decay. The c.348_351delTTAC variant is not observed in large population cohorts (Lek et al., 2016). Therefore, we interpret c.348_351delTTAC as a pathogenic variant.